The following is an entry in ClinVar:

ClinVar aggregate classification (germline): Conflicting classifications of pathogenicity. Review status: criteria provided, conflicting classifications (1 of 4 stars). 3 submissions from 3 submitters: Uncertain significance (2); Benign (1). Last evaluated 2025-01-15.

Conditions:
Cardiovascular phenotype. Identifiers: MedGen CN230736.
Long QT syndrome (LQTS). Identifiers: MedGen C0023976, MeSH D008133, MONDO:0002442. Disease mechanism: loss of function. Inheritance: Various modes of inheritance.

Allele frequency attached by ClinVar (database versions not stated): TOPMed 0.00005; 1000 Genomes Project 30x 0.00016; gnomAD exomes 0.00001 and 0.00004; gnomAD 0.00004; 1000 Genomes Project 0.00020; ESP Exome Variant Server 0.00008; ExAC 0.00006.
gnomAD v4.1: 23 of 1,611,014 alleles (0.0014%); highest among the groups gnomAD compares: African/African-American, 0.021%; no homozygotes.

Submissions (3):

Labcorp Genetics (formerly Invitae), Labcorp
Classification: Uncertain significance for Long QT syndrome. Last evaluated: 2025-01-15. Review status: criteria provided, single submitter. Criteria: Invitae Variant Classification Sherloc (09022015). Collection method: clinical testing. Allele origin: germline.
Comment: This sequence change replaces alanine, which is neutral and non-polar, with threonine, which is neutral and polar, at codon 345 of the SNTA1 protein (p.Ala345Thr). This variant is present in population databases (rs150474420, gnomAD 0.04%). This variant has not been reported in the literature in individuals affected with SNTA1-related conditions. ClinVar contains an entry for this variant (Variation ID: 1691165). Invitae Evidence Modeling of protein sequence and biophysical properties (such as structural, functional, and spatial information, amino acid conservation, physicochemical variation, residue mobility, and thermodynamic stability) indicates that this missense variant is not expected to disrupt SNTA1 protein function with a negative predictive value of 80%. In summary, the available evidence is currently insufficient to determine the role of this variant in disease. Therefore, it has been classified as a Variant of Uncertain Significance.

Ambry Genetics
Classification: Benign for Cardiovascular phenotype. Last evaluated: 2022-08-04. Review status: criteria provided, single submitter. Criteria: Ambry Variant Classification Scheme 2023. Collection method: clinical testing. Allele origin: germline.

GeneDx
Classification: Uncertain significance. Last evaluated: 2022-05-20. Review status: criteria provided, single submitter. Criteria: GeneDx Variant Classification Process June 2021. Collection method: clinical testing. Allele origin: germline. Affected: yes.
Comment: Has not been previously published as pathogenic or benign to our knowledge; In silico analysis supports that this missense variant has a deleterious effect on protein structure/function

NM_003098.3(SNTA1):c.1033G>A (p.Ala345Thr)

Gene: SNTA1 (syntrophin alpha 1; minus strand). Cytogenetic location: 20q11.21.
Variant type: single nucleotide variant.
Coding change: c.1033G>A on transcript NM_003098.3 (MANE Select); coding-DNA position 1033, G replaced by A.
Protein change: p.Ala345Thr; replaces alanine 345 with threonine.
Molecular consequence: missense variant.
Genome position (GRCh38, 1-based): chr20:33,412,303, C>T on the plus strand (G>A on the coding strand, the complement: SNTA1 is on the minus strand). VCF-style: chr20-33412303-C-T. GRCh37 (hg19) VCF-style: chr20-32000109-C-T.
Other names: short protein forms A345T.
Identifiers: ClinVar variation 1691165 (VCV001691165.9), dbSNP rs150474420, ClinGen allele CA9817072.